The following is an entry in ClinVar:

NM_000038.6(APC):c.6766C>G (p.Pro2256Ala)

Gene: APC (APC regulator of Wnt signaling pathway; plus strand). Cytogenetic location: 5q22.2.
Variant type: single nucleotide variant.
Coding change: c.6766C>G on transcript NM_000038.6 (MANE Select); coding-DNA position 6766, C replaced by G.
Protein change: p.Pro2256Ala; replaces proline 2256 with alanine.
Molecular consequence: missense variant.
Genome position (GRCh38, 1-based): chr5:112,842,360, C>G. VCF-style: chr5-112842360-C-G. GRCh37 (hg19) VCF-style: chr5-112178057-C-G.
Other names: c.6766C>G, p.Pro2256Ala (NM_001127510.3, NM_001354895.2); c.6712C>G, p.Pro2238Ala (NM_001127511.3); c.6820C>G, p.Pro2274Ala (NM_001354896.2); c.6796C>G, p.Pro2266Ala (NM_001354897.2); c.6691C>G, p.Pro2231Ala (NM_001354898.2); c.6682C>G, p.Pro2228Ala (NM_001354899.2); c.6643C>G, p.Pro2215Ala (NM_001354900.2); c.6589C>G, p.Pro2197Ala (NM_001354901.2); and 5 more; short protein forms P2197A, P2228A, P2238A, P2096A, P2130A, P2165A, P2274A, P1973A.
Identifiers: ClinVar variation 648935 (VCV000648935.15), dbSNP rs1253813996, ClinGen allele CA16036111.

ClinVar aggregate classification (germline): Uncertain significance. Review status: criteria provided, multiple submitters, no conflicts (2 of 4 stars). 3 submissions from 3 submitters: Uncertain significance (3). Last evaluated 2025-11-11.

Conditions:
Familial adenomatous polyposis 1 (FAP1). Also called: FAMILIAL ADENOMATOUS POLYPOSIS 1, ATTENUATED; POLYPOSIS, ADENOMATOUS INTESTINAL. Identifiers: MedGen C2713442, MONDO:0021056, OMIM 175100. Disease mechanism: loss of function.
Hereditary cancer-predisposing syndrome. Also called: Neoplastic Syndromes, Hereditary; Tumor predisposition; Hereditary Cancer Syndrome; Hereditary neoplastic syndrome. Identifiers: Orphanet 140162, MedGen C0027672, MeSH D009386, MONDO:0015356.

Allele frequency attached by ClinVar (database versions not stated): TOPMed below 0.00001; gnomAD 0.00001.
gnomAD v4.1: 2 of 1,613,892 alleles (0.00012%); highest among the groups gnomAD compares: Non-Finnish European, 0.00017%; no homozygotes.

Submissions (3):

Labcorp Genetics (formerly Invitae), Labcorp
Classification: Uncertain significance for Familial adenomatous polyposis 1. Last evaluated: 2025-11-11. Review status: criteria provided, single submitter. Criteria: Invitae Variant Classification Sherloc (09022015). Collection method: clinical testing. Allele origin: germline.
Comment: This sequence change replaces proline, which is neutral and non-polar, with alanine, which is neutral and non-polar, at codon 2256 of the APC protein (p.Pro2256Ala). This variant is not present in population databases (gnomAD no frequency). This variant has not been reported in the literature in individuals affected with APC-related conditions. ClinVar contains an entry for this variant (Variation ID: 648935). Invitae Evidence Modeling of protein sequence and biophysical properties (such as structural, functional, and spatial information, amino acid conservation, physicochemical variation, residue mobility, and thermodynamic stability) indicates that this missense variant is not expected to disrupt APC protein function with a negative predictive value of 95%. In summary, the available evidence is currently insufficient to determine the role of this variant in disease. Therefore, it has been classified as a Variant of Uncertain Significance.

Ambry Genetics
Classification: Uncertain significance for Hereditary cancer-predisposing syndrome. Last evaluated: 2024-10-31. Review status: criteria provided, single submitter. Criteria: Ambry Variant Classification Scheme 2023. Collection method: clinical testing. Allele origin: germline.
Comment: The p.P2256A variant (also known as c.6766C>G), located in coding exon 15 of the APC gene, results from a C to G substitution at nucleotide position 6766. The proline at codon 2256 is replaced by alanine, an amino acid with highly similar properties. This amino acid position is not well conserved in available vertebrate species. In addition, in silico predictors for this gene do not accurately predict pathogenicity. Based on the available evidence, the clinical significance of this variant remains unclear.

Color Diagnostics, LLC DBA Color Health
Classification: Uncertain significance for Hereditary cancer-predisposing syndrome. Last evaluated: 2024-03-06. Review status: criteria provided, single submitter. Criteria: ACMG Guidelines, 2015. Collection method: clinical testing. Allele origin: germline.
Comment: This missense variant replaces proline with alanine at codon 2256 of the APC protein. Computational prediction suggests that this variant may not impact protein structure and function (internally defined REVEL score threshold <= 0.5, PMID: 27666373). To our knowledge, functional studies have not been reported for this variant. This variant has not been reported in individuals affected with hereditary cancer in the literature. This variant has not been identified in the general population by the Genome Aggregation Database (gnomAD). The available evidence is insufficient to determine the role of this variant in disease conclusively. Therefore, this variant is classified as a Variant of Uncertain Significance.